The following is an entry in ClinVar:

ClinVar aggregate classification (germline): Pathogenic/Likely pathogenic. Review status: criteria provided, multiple submitters, no conflicts (2 of 4 stars). 6 submissions from 6 submitters: Pathogenic (5); Likely pathogenic (1). Last evaluated 2025-12-13.

Conditions:
CASR-related disorder. Also called: CASR-related condition.
Familial hypocalciuric hypercalcemia (FHH). Also called: Familial benign hypercalcemia. Identifiers: Orphanet 405, MedGen C1809471, MONDO:0018458.
Autosomal dominant hypocalcemia 1 (HYPOC1). Also called: HYPOCALCEMIA, FAMILIAL. Identifiers: MedGen C3715128, MONDO:0011013, OMIM 601198.
Familial hypocalciuric hypercalcemia 1. Also called: Hypercalcemia, familial benign type 1. Identifiers: Orphanet 405, Orphanet 93372, MedGen C0342637, MONDO:0007791, OMIM 145980.
Epilepsy, idiopathic generalized, susceptibility to, 8. Identifiers: MedGen C2752062, MONDO:0013032, OMIM 612899.
Neonatal severe primary hyperparathyroidism. Identifiers: Orphanet 417, MedGen C1832615, MONDO:0009397, OMIM 239200.

Submissions (6):

Labcorp Genetics (formerly Invitae), Labcorp
Classification: Pathogenic for Familial hypocalciuric hypercalcemia; Autosomal dominant hypocalcemia 1. Last evaluated: 2025-12-13. Review status: criteria provided, single submitter. Criteria: Invitae Variant Classification Sherloc (09022015). Collection method: clinical testing. Allele origin: germline.
Comment: This sequence change creates a premature translational stop signal (p.Arg227*) in the CASR gene. It is expected to result in an absent or disrupted protein product. Loss-of-function variants in CASR are known to be pathogenic (PMID: 11807402, 14985373, 22422767). This variant is not present in population databases (gnomAD no frequency). This premature translational stop signal has been observed in individual(s) with neonatal severe primary hyperparathyroidism and familial hypocalciuric hypercalcemia (PMID: 20972686, 26963950, 27666534). Invitae Evidence Modeling of clinical and family history, age, sex, and reported ancestry of multiple individuals with this CASR variant has been performed. This variant is expected to be pathogenic with a positive predictive value of at least 99%. This is a validated machine learning model that incorporates the clinical features of 646,172 individuals referred to our laboratory for CASR testing. ClinVar contains an entry for this variant (Variation ID: 532618). For these reasons, this variant has been classified as Pathogenic.

Blueprint Genetics
Classification: Pathogenic for CASR-related disorders. Last evaluated: 2024-10-01. Review status: criteria provided, single submitter. Criteria: ACMG Guidelines, 2015. Collection method: clinical testing. Allele origin: germline. Affected: yes. Observed: 2 variant alleles.

Fulgent Genetics
Classification: Pathogenic for Familial hypocalciuric hypercalcemia 1; Neonatal severe primary hyperparathyroidism; Autosomal dominant hypocalcemia 1; Epilepsy, idiopathic generalized, susceptibility to, 8. Last evaluated: 2022-01-11. Review status: criteria provided, single submitter. Criteria: ACMG Guidelines, 2015. Collection method: clinical testing. Allele origin: unknown.

Clinical Genetics and Genomics, Karolinska University Hospital
Classification: Likely pathogenic. Last evaluated: 2018-12-11. Review status: criteria provided, single submitter. Criteria: ACMG Guidelines, 2015. Collection method: clinical testing. Allele origin: germline. Affected: yes. Observed: 2 variant alleles.

Athena Diagnostics
Classification: Pathogenic. Last evaluated: 2018-10-09. Review status: criteria provided, single submitter. Criteria: Athena Diagnostics Criteria. Collection method: clinical testing. Allele origin: germline.
Comment: The variant creates a premature nonsense codon, and is therefore predicted to significantly disrupt the protein structure. Found in at least one symptomatic patient, and not found in general population data. Damaging to protein function(s) relevant to disease mechanism.

GeneDx
Classification: Pathogenic. Last evaluated: 2018-05-06. Review status: criteria provided, single submitter. Criteria: GeneDx Variant Classification (06012015). Collection method: clinical testing. Allele origin: germline. Affected: yes.
Comment: The R227X nonsense variant in the CASR gene has been reported previously in association with familial hypocalciuric hypercalcemia, as well as with neonatal severe primary hyperparathyroidism when observed in the homozygous state (Vargas-Poussou et al., 2016; Al-Khalaf et al., 2011). This variant is predicted to cause loss of normal protein function either through protein truncation or nonsense-mediated mRNA decay. The variant is not observed in large population cohorts (Lek et al., 2016). In summary, we consider this variant to be pathogenic.

Literature cited by the submitters: PubMed 11807402 (cited by Labcorp Genetics (formerly Invitae), Labcorp); PubMed 14985373 (cited by Labcorp Genetics (formerly Invitae), Labcorp); PubMed 22422767 (cited by Labcorp Genetics (formerly Invitae), Labcorp); PubMed 20972686 (cited by Labcorp Genetics (formerly Invitae), Labcorp and Athena Diagnostics); PubMed 26963950 (cited by Labcorp Genetics (formerly Invitae), Labcorp and Athena Diagnostics); PubMed 27666534 (cited by Labcorp Genetics (formerly Invitae), Labcorp and Athena Diagnostics).

NM_000388.4(CASR):c.679C>T (p.Arg227Ter)

Gene: CASR (calcium sensing receptor; plus strand). Cytogenetic location: 3q21.1.
Variant type: single nucleotide variant.
Coding change: c.679C>T on transcript NM_000388.4 (MANE Select); coding-DNA position 679, C replaced by T.
Protein change: p.Arg227Ter; replaces arginine 227 with a stop codon.
Molecular consequence: nonsense.
Genome position (GRCh38, 1-based): chr3:122,261,714, C>T. VCF-style: chr3-122261714-C-T. GRCh37 (hg19) VCF-style: chr3-121980561-C-T.
Other names: c.679C>T, p.Arg227Ter (NM_001178065.2); short protein forms R227*.
Identifiers: ClinVar variation 532618 (VCV000532618.13), dbSNP rs1085307984, ClinGen allele CA354151112.